The following is an entry in ClinVar:

ClinVar aggregate classification (germline): Uncertain significance (1 of 4 stars; one submission).

Conditions:
Multiple gastrointestinal atresias. Also called: Multiple intestinal atresia; FAMILIAL INTESTINAL POLYATRESIA SYNDROME. Identifiers: Orphanet 2300, MedGen C0220744, MONDO:0009465.

gnomAD v4.1: 4 of 1,609,450 alleles (0.00025%); highest among the groups gnomAD compares: African/African-American, 0.0053%; no homozygotes.

Submission:

Labcorp Genetics (formerly Invitae), Labcorp
Classification: Uncertain significance for Multiple gastrointestinal atresias. Last evaluated: 2022-02-03. Review status: criteria provided, single submitter. Criteria: Invitae Variant Classification Sherloc (09022015). Collection method: clinical testing. Allele origin: germline.
Comment: In summary, the available evidence is currently insufficient to determine the role of this variant in disease. Therefore, it has been classified as a Variant of Uncertain Significance. Algorithms developed to predict the effect of missense changes on protein structure and function (SIFT, PolyPhen-2, Align-GVGD) all suggest that this variant is likely to be tolerated. ClinVar contains an entry for this variant (Variation ID: 1062397). This variant has not been reported in the literature in individuals affected with TTC7A-related conditions. The frequency data for this variant in the population databases is considered unreliable, as metrics indicate poor data quality at this position in the gnomAD database. This sequence change replaces arginine, which is basic and polar, with leucine, which is neutral and non-polar, at codon 675 of the TTC7A protein (p.Arg675Leu).

NM_020458.4(TTC7A):c.2024G>T (p.Arg675Leu)

Gene: TTC7A (tetratricopeptide repeat domain 7A; plus strand). Cytogenetic location: 2p21.
Variant type: single nucleotide variant.
Coding change: c.2024G>T on transcript NM_020458.4 (MANE Select); coding-DNA position 2024, G replaced by T.
Protein change: p.Arg675Leu; replaces arginine 675 with leucine.
Molecular consequence: missense variant.
Genome position (GRCh38, 1-based): chr2:47,051,752, G>T. VCF-style: chr2-47051752-G-T. GRCh37 (hg19) VCF-style: chr2-47278891-G-T.
Other names: c.2096G>T, p.Arg699Leu (NM_001288951.2); c.1922G>T, p.Arg641Leu (NM_001288953.2); c.962G>T, p.Arg321Leu (NM_001288955.2); short protein forms R321L, R641L, R675L, R699L.
Identifiers: ClinVar variation 1062397 (VCV001062397.9), dbSNP rs532590528, ClinGen allele CA346713633.